The following is an entry in ClinVar:

ClinVar aggregate classification (germline): Uncertain significance (1 of 4 stars; one submission).

Conditions:
Neurofibromatosis, type 1 (NF1). Also called: Peripheral type neurofibromatosis; NEUROFIBROMATOSIS, TYPE I, SOMATIC; Neurofibromatosis, type I; VON RECKLINGHAUSEN DISEASE. Identifiers: Orphanet 636, MedGen C0027831, MONDO:0018975, OMIM 162200. Disease mechanism: loss of function.

Submission:

Labcorp Genetics (formerly Invitae), Labcorp
Classification: Uncertain significance for Neurofibromatosis, type 1. Last evaluated: 2023-12-18. Review status: criteria provided, single submitter. Criteria: Invitae Variant Classification Sherloc (09022015). Collection method: clinical testing. Allele origin: germline.
Comment: This sequence change replaces proline, which is neutral and non-polar, with leucine, which is neutral and non-polar, at codon 1612 of the NF1 protein (p.Pro1612Leu). This variant is not present in population databases (gnomAD no frequency). This variant has not been reported in the literature in individuals affected with NF1-related conditions. Advanced modeling of protein sequence and biophysical properties (such as structural, functional, and spatial information, amino acid conservation, physicochemical variation, residue mobility, and thermodynamic stability) performed at Invitae indicates that this missense variant is expected to disrupt NF1 protein function with a positive predictive value of 95%. In summary, the available evidence is currently insufficient to determine the role of this variant in disease. Therefore, it has been classified as a Variant of Uncertain Significance.

NM_001042492.3(NF1):c.4898C>T (p.Pro1633Leu)

Gene: NF1 (neurofibromin 1; plus strand). Cytogenetic location: 17q11.2.
Variant type: single nucleotide variant.
Coding change: c.4898C>T on transcript NM_001042492.3 (MANE Select); coding-DNA position 4898, C replaced by T.
Protein change: p.Pro1633Leu; replaces proline 1633 with leucine.
Molecular consequence: missense variant.
Genome position (GRCh38, 1-based): chr17:31,325,882, C>T. VCF-style: chr17-31325882-C-T. GRCh37 (hg19) VCF-style: chr17-29652900-C-T.
Other names: c.4835C>T, p.Pro1612Leu (NM_000267.4); short protein forms P1612L, P1633L.
Identifiers: ClinVar variation 2967909 (VCV002967909.3), dbSNP rs2151537698, ClinGen allele CA399007060.